The following is an entry in ClinVar:

ClinVar aggregate classification (germline): Uncertain significance (1 of 4 stars; one submission).

Submission:

GeneDx
Classification: Uncertain significance. Last evaluated: 2023-04-27. Review status: criteria provided, single submitter. Criteria: GeneDx Variant Classification Process June 2021. Collection method: clinical testing. Allele origin: germline. Affected: yes.
Comment: Not observed at significant frequency in large population cohorts (gnomAD); In silico analysis supports that this variant does not alter splicing; Has not been previously published as pathogenic or benign to our knowledge; Reported using an alternate transcript of the gene

NM_000268.4(NF2):c.1737+1419C>T

Gene: NF2 (NF2, moesin-ezrin-radixin like (MERLIN) tumor suppressor; plus strand). Cytogenetic location: 22q12.2.
Variant type: single nucleotide variant.
Coding change: c.1737+1419C>T on transcript NM_000268.4 (MANE Select); 1419 bases into the intron after coding-DNA position 1737, C replaced by T.
Molecular consequence: intron variant. On other transcripts: missense variant (14).
Genome position (GRCh38, 1-based): chr22:29,683,020, C>T. VCF-style: chr22-29683020-C-T. GRCh37 (hg19) VCF-style: chr22-30079009-C-T.
Other names: c.1624C>T, p.Pro542Ser (NM_001407056.1); c.1615C>T, p.Pro539Ser (NM_001407058.1, NM_181829.3); c.1603C>T, p.Pro535Ser (NM_001407059.1); c.1489C>T, p.Pro497Ser (NM_001407063.1, NM_181830.3, NM_181831.3); c.1204C>T, p.Pro402Ser (NM_001407065.1); c.1738C>T, p.Pro580Ser (NM_001407066.1, NM_016418.5, NM_181825.3 and 1 more transcripts); c.1507C>T, p.Pro503Ser (NM_001407067.1); c.1612C>T, p.Pro538Ser (NM_181828.3); and 8 more; short protein forms P402S, P497S, P503S, P535S, P538S, P539S, P542S, P580S.
Identifiers: ClinVar variation 2662042 (VCV002662042.1), dbSNP rs2147129664, ClinGen allele CA411150568.